The following is an entry in ClinVar:

ClinVar aggregate classification (germline): Uncertain significance (1 of 4 stars; one submission).

Conditions:
Amyotrophic lateral sclerosis type 21. Also called: MYOPATHY, DISTAL, 2; VOCAL CORD AND PHARYNGEAL DYSFUNCTION WITH DISTAL MYOPATHY. Identifiers: Orphanet 600, Orphanet 803, MedGen C3807521, MONDO:0011632, OMIM 606070.

Submission:

Labcorp Genetics (formerly Invitae), Labcorp
Classification: Uncertain significance for Amyotrophic lateral sclerosis type 21. Last evaluated: 2022-05-17. Review status: criteria provided, single submitter. Criteria: Invitae Variant Classification Sherloc (09022015). Collection method: clinical testing. Allele origin: germline.
Comment: Algorithms developed to predict the effect of missense changes on protein structure and function are either unavailable or do not agree on the potential impact of this missense change (SIFT: "Deleterious"; PolyPhen-2: "Probably Damaging"; Align-GVGD: "Class C0"). Algorithms developed to predict the effect of sequence changes on RNA splicing suggest that this variant may create or strengthen a splice site. In summary, the available evidence is currently insufficient to determine the role of this variant in disease. Therefore, it has been classified as a Variant of Uncertain Significance. This variant has not been reported in the literature in individuals affected with MATR3-related conditions. This variant is not present in population databases (gnomAD no frequency). This sequence change replaces aspartic acid, which is acidic and polar, with glycine, which is neutral and non-polar, at codon 600 of the MATR3 protein (p.Asp600Gly).

NM_018834.6(MATR3):c.1799A>G (p.Asp600Gly)

Genes: MATR3 (matrin 3; plus strand), LOC126807526 (CDK7 strongly-dependent group 2 enhancer GRCh37_chr5:138657767-138658966; plus strand). Cytogenetic location: 5q31.2.
Variant type: single nucleotide variant.
Coding change: c.1799A>G on transcript NM_018834.6 (MANE Select); coding-DNA position 1799, A replaced by G.
Protein change: p.Asp600Gly; replaces aspartic acid 600 with glycine.
Molecular consequence: missense variant.
Genome position (GRCh38, 1-based): chr5:139,322,618, A>G. VCF-style: chr5-139322618-A-G. GRCh37 (hg19) VCF-style: chr5-138658307-A-G.
Other names: c.1799A>G, p.Asp600Gly (NM_001400443.1, NM_001400444.1, NM_001400445.1 and 16 more transcripts); c.938A>G, p.Asp313Gly (NM_001400459.1); c.785A>G, p.Asp262Gly (NM_001400460.1, NM_001400462.1, NM_001400463.1 and 5 more transcripts); c.899A>G, p.Asp300Gly (NM_001400461.1); c.935A>G, p.Asp312Gly (NM_001194956.2); short protein forms D300G, D313G, D600G, D262G, D312G.
Identifiers: ClinVar variation 2118422 (VCV002118422.4), dbSNP rs2546862490, ClinGen allele CA361143538.
Genomic context (GRCh38, chr5:139,322,618, plus strand): 5'-CAGACAACAAATTAATTGTGGTGTGTCCTTTTGATTTCAGAAAAAGATCTTACTCTCCAG[A>G]TGGCAAAGAATCTCCAAGTGATAAGAAATCCAAAACTGATGGTTCCCAGAAGACTGAGAG-3'
Protein context (NP_061322.2, residues 590-610): DKSRKRSYSP[Asp600Gly]GKESPSDKKS